The following is an entry in ClinVar:

ClinVar aggregate classification (germline): Uncertain significance. Review status: criteria provided, multiple submitters, no conflicts (2 of 4 stars). 2 submissions from 2 submitters: Uncertain significance (2). Last evaluated 2025-11-17.

Conditions:
Hereditary cancer-predisposing syndrome. Also called: Tumor predisposition; Hereditary neoplastic syndrome; Neoplastic Syndromes, Hereditary; Hereditary Cancer Syndrome. Identifiers: Orphanet 140162, MedGen C0027672, MeSH D009386, MONDO:0015356.
Hereditary nonpolyposis colorectal neoplasms. Identifiers: MedGen C0009405, MeSH D003123.

Submissions (2):

Ambry Genetics
Classification: Uncertain significance for Hereditary cancer-predisposing syndrome. Last evaluated: 2025-11-17. Review status: criteria provided, single submitter. Criteria: Ambry Variant Classification Scheme 2023. Collection method: clinical testing. Allele origin: germline.
Comment: The p.R851G variant (also known as c.2551A>G), located in coding exon 15 of the PMS2 gene, results from an A to G substitution at nucleotide position 2551. The arginine at codon 851 is replaced by glycine, an amino acid with dissimilar properties. This amino acid position is conserved. In addition, this alteration is predicted to be deleterious by in silico analysis. Based on the available evidence, the clinical significance of this variant remains unclear.

Labcorp Genetics (formerly Invitae), Labcorp
Classification: Uncertain significance for Hereditary nonpolyposis colorectal neoplasms. Last evaluated: 2019-11-26. Review status: criteria provided, single submitter. Criteria: Invitae Variant Classification Sherloc (09022015). Collection method: clinical testing. Allele origin: germline.
Comment: This sequence change replaces arginine with glycine at codon 851 of the PMS2 protein (p.Arg851Gly). The arginine residue is highly conserved and there is a moderate physicochemical difference between arginine and glycine. The frequency data for this variant in the population databases (ExAC) is considered unreliable due to the presence of homologous sequence, such as pseudogenes or paralogs, in the genome. This variant has not been reported in the literature in individuals with PMS2-related conditions. Algorithms developed to predict the effect of missense changes on protein structure and function (SIFT, PolyPhen-2, Align-GVGD) all suggest that this variant is likely to be disruptive, but these predictions have not been confirmed by published functional studies and their clinical significance is uncertain. In summary, the available evidence is currently insufficient to determine the role of this variant in disease. Therefore, it has been classified as a Variant of Uncertain Significance.

NM_000535.7(PMS2):c.2551A>G (p.Arg851Gly)

Gene: PMS2 (PMS1 homolog 2, mismatch repair system component; minus strand). Cytogenetic location: 7p22.1.
Variant type: single nucleotide variant.
Coding change: c.2551A>G on transcript NM_000535.7 (MANE Select); coding-DNA position 2551, A replaced by G.
Protein change: p.Arg851Gly; replaces arginine 851 with glycine.
Molecular consequence: missense variant. On other transcripts: non-coding transcript variant (1).
Genome position (GRCh38, 1-based): chr7:5,973,437, T>C on the plus strand (A>G on the coding strand, the complement: PMS2 is on the minus strand). VCF-style: chr7-5973437-T-C. GRCh37 (hg19) VCF-style: chr7-6013068-T-C.
Other names: c.2146A>G, p.Arg716Gly (NM_001322003.2, NM_001322004.2, NM_001322005.2); c.2395A>G, p.Arg799Gly (NM_001322006.2); c.2233A>G, p.Arg745Gly (NM_001322007.2, NM_001322008.2); c.2179A>G, p.Arg727Gly (NM_001322009.2); c.1990A>G, p.Arg664Gly (NM_001322010.2); c.1618A>G, p.Arg540Gly (NM_001322011.2, NM_001322012.2); c.1978A>G, p.Arg660Gly (NM_001322013.2); c.2584A>G, p.Arg862Gly (NM_001322014.2); and 1 more; short protein forms R799G, R851G, R727G, R748G, R862G, R664G, R540G, R660G.
Identifiers: ClinVar variation 857790 (VCV000857790.10), dbSNP rs1781485917, ClinGen allele CA366734812.